The following is an entry in ClinVar:

NM_001943.5(DSG2):c.1942C>G (p.Pro648Ala)

Gene: DSG2 (desmoglein 2; plus strand). Cytogenetic location: 18q12.1.
Variant type: single nucleotide variant.
Coding change: c.1942C>G on transcript NM_001943.5 (MANE Select); coding-DNA position 1942, C replaced by G.
Protein change: p.Pro648Ala; replaces proline 648 with alanine.
Molecular consequence: missense variant.
Genome position (GRCh38, 1-based): chr18:31,541,255, C>G. VCF-style: chr18-31541255-C-G. GRCh37 (hg19) VCF-style: chr18-29121218-C-G.
Other names: short protein forms P648A.
Identifiers: ClinVar variation 921311 (VCV000921311.4), dbSNP rs2073265555, ClinGen allele CA402139560.

ClinVar aggregate classification (germline): Uncertain significance (1 of 4 stars; one submission).

Conditions:
Cardiomyopathy (CMYO). Also called: Cardiomyopathies. Identifiers: Orphanet 167848, MedGen C0878544, MONDO:0004994, HP:0001638. Inheritance: Various modes of inheritance.

Submission:

Color Diagnostics, LLC DBA Color Health
Classification: Uncertain significance for Cardiomyopathy. Last evaluated: 2023-12-04. Review status: criteria provided, single submitter. Criteria: ACMG Guidelines, 2015. Collection method: clinical testing. Allele origin: germline.
Comment: This missense variant replaces proline with alanine at codon 648 of the DSG2 protein. Computational prediction suggests that this variant may not impact protein structure and function (internally defined REVEL score threshold <= 0.5, PMID: 27666373). To our knowledge, functional studies have not been reported for this variant. This variant has not been reported in individuals affected with DSG2-related disorders in the literature. This variant has not been identified in the general population by the Genome Aggregation Database (gnomAD). The available evidence is insufficient to determine the role of this variant in disease conclusively. Therefore, this variant is classified as a Variant of Uncertain Significance.